The following is an entry in ClinVar:

NM_016277.5(RAB23):c.51T>C (p.Asn17=)

Gene: RAB23 (RAB23, member RAS oncogene family; minus strand). Cytogenetic location: 6p11.2.
Variant type: single nucleotide variant.
Coding change: c.51T>C on transcript NM_016277.5 (MANE Select); coding-DNA position 51, T replaced by C.
Protein change: p.Asn17=; no amino-acid change (asparagine 17 retained).
Molecular consequence: synonymous variant. On other transcripts: non-coding transcript variant (1).
Genome position (GRCh38, 1-based): chr6:57,210,330, A>G on the plus strand (T>C on the coding strand, the complement: RAB23 is on the minus strand). VCF-style: chr6-57210330-A-G. GRCh37 (hg19) VCF-style: chr6-57075128-A-G.
Other names: c.51T>C (NM_183227.2); c.51T>C, p.Asn17= (NM_001278666.2, NM_001278667.2, NM_001278668.2 and 1 more transcripts).
Identifiers: ClinVar variation 1089379 (VCV001089379.12), dbSNP rs141279756, ClinGen allele CA3873930.

ClinVar aggregate classification (germline): Likely benign. Review status: criteria provided, single submitter (1 of 4 stars). 3 submissions from 3 submitters: Likely benign (1). 2 of the submissions do not count toward it. Last evaluated 2026-01-16.

Conditions:
RAB23-related disorder. Also called: RAB23-related condition.
RAB23-related Carpenter syndrome. Also called: ACPS II; Carpenter syndrome 1. Identifiers: Orphanet 65759, MedGen C4551510, MONDO:0008710, OMIM 201000.
Carpenter syndrome. Identifiers: Orphanet 65759, MedGen C1275078, MONDO:0019012.

Allele frequency attached by ClinVar (database versions not stated): ESP Exome Variant Server 0.00023; gnomAD 0.00025 and 0.00026; TOPMed 0.00046; gnomAD exomes 0.00008; ExAC 0.00010; 1000 Genomes Project 30x 0.00078; 1000 Genomes Project 0.00100.
gnomAD v4.1: 94 of 1,614,030 alleles (0.0058%); highest among the groups gnomAD compares: African/African-American, 0.1%; no homozygotes.

Submissions (3):

Labcorp Genetics (formerly Invitae), Labcorp
Classification: Likely benign for Carpenter syndrome. Last evaluated: 2026-01-16. Review status: criteria provided, single submitter. Criteria: Invitae Variant Classification Sherloc (09022015). Collection method: clinical testing. Allele origin: germline.

PreventionGenetics, part of Exact Sciences
Classification: Likely benign for RAB23-related condition. Last evaluated: 2021-10-13. Review status: no assertion criteria provided. Collection method: clinical testing. Allele origin: germline. Not counted in ClinVar's aggregate classification.
Comment: This variant is classified as likely benign based on ACMG/AMP sequence variant interpretation guidelines (Richards et al. 2015 PMID: 25741868, with internal and published modifications).

Natera, Inc.
Classification: Likely benign for Carpenter syndrome 1. Last evaluated: 2019-10-24. Review status: no assertion criteria provided. Collection method: clinical testing. Allele origin: germline. Not counted in ClinVar's aggregate classification.